The following is an entry in ClinVar:

ClinVar aggregate classification (germline): Likely benign (1 of 4 stars; one submission).

Allele frequency attached by ClinVar (database versions not stated): 1000 Genomes Project 30x 0.00125; 1000 Genomes Project 0.00140; gnomAD 0.00262; ExAC 0.00300.
gnomAD v4.1: 5,241 of 1,555,268 alleles (0.34%); highest among the groups gnomAD compares: Non-Finnish European, 0.39%; 858 homozygotes.

Submission:

CeGaT Center for Human Genetics Tuebingen
Classification: Likely benign. Last evaluated: 2024-09-01. Review status: criteria provided, single submitter. Criteria: CeGaT Center For Human Genetics Tuebingen Variant Classification Criteria Version 2. Collection method: clinical testing. Allele origin: germline. Affected: yes. Observed: 2 variant alleles.
Comment: MGAM: BP4, BP7, BS2

NM_001365693.1(MGAM):c.5688C>T (p.Asn1896=)

Gene: MGAM (maltase-glucoamylase; plus strand). Cytogenetic location: 7q34.
Variant type: single nucleotide variant.
Coding change: c.5688C>T on transcript NM_001365693.1 (MANE Select); coding-DNA position 5688, C replaced by T.
Protein change: p.Asn1896=; no amino-acid change (asparagine 1896 retained).
Molecular consequence: synonymous variant. On other transcripts: intron variant (1).
Genome position (GRCh38, 1-based): chr7:142,078,849, C>T. VCF-style: chr7-142078849-C-T. GRCh37 (hg19) VCF-style: chr7-141778649-C-T.
Other names: c.4618+13381C>T (NM_004668.3).
Identifiers: ClinVar variation 2658103 (VCV002658103.24), dbSNP rs35584918, ClinGen allele CA168126144.